The following is an entry in ClinVar:

NM_001243133.2(NLRP3):c.122G>A (p.Arg41Lys)

Gene: NLRP3 (NLR family pyrin domain containing 3; plus strand). Cytogenetic location: 1q44.
Variant type: single nucleotide variant.
Coding change: c.122G>A on transcript NM_001243133.2 (MANE Select); coding-DNA position 122, G replaced by A.
Protein change: p.Arg41Lys; replaces arginine 41 with lysine.
Molecular consequence: missense variant.
Genome position (GRCh38, 1-based): chr1:247,418,922, G>A. VCF-style: chr1-247418922-G-A. GRCh37 (hg19) VCF-style: chr1-247582224-G-A.
Other names: c.122G>A, p.Arg41Lys (NM_001079821.3, NM_001127461.3, NM_001127462.3 and 1 more transcripts); c.128G>A, p.Arg43Lys (NM_004895.5); short protein forms R43K, R41K.
Identifiers: ClinVar variation 875720 (VCV000875720.10), dbSNP rs201384608, ClinGen allele CA1494749.

ClinVar aggregate classification (germline): Conflicting classifications of pathogenicity. Review status: criteria provided, conflicting classifications (1 of 4 stars). 7 submissions from 5 submitters: Uncertain significance (6); Likely benign (1). Last evaluated 2025-09-23.

Conditions:
Cryopyrin associated periodic syndrome (CAPS). Identifiers: Orphanet 208650, MedGen C2316212, MONDO:0016168.
Keratitis fugax hereditaria. Also called: KERATOENDOTHELIITIS FUGAX HEREDITARIA. Identifiers: Orphanet 647815, MedGen C1835697, MONDO:0007849, OMIM 148200.
Familial amyloid nephropathy with urticaria AND deafness (MWS). Also called: UDA SYNDROME; URTICARIA-DEAFNESS-AMYLOIDOSIS SYNDROME; Urticaria, deafness and amyloidosis; CRYOPYRIN-ASSOCIATED PERIODIC SYNDROME 2; MUCKLE-WELLS SYNDROME. Identifiers: Orphanet 575, MedGen C0268390, MONDO:0008633, OMIM 191900.
Chronic infantile neurological, cutaneous and articular syndrome (CINCA). Also called: Prieur Griscelli syndrome; CRYOPYRIN-ASSOCIATED PERIODIC SYNDROME 3; CINCA syndrome; CHRONIC NEUROLOGIC CUTANEOUS AND ARTICULAR SYNDROME. Identifiers: Orphanet 1451, MedGen C0409818, MONDO:0011776, OMIM 607115.
Familial cold autoinflammatory syndrome 1 (FCAS1). Also called: Familial cold inflammatory syndrome 1; CRYOPYRIN-ASSOCIATED PERIODIC SYNDROME 1. Identifiers: Orphanet 47045, MedGen C4551895, MONDO:0007349, OMIM 120100.
Hearing loss, autosomal dominant 34, with or without inflammation. Also called: DEAFNESS, AUTOSOMAL DOMINANT 34, WITH OR WITHOUT INFLAMMATION. Identifiers: MedGen C4521680, MONDO:0033261, OMIM 617772.
Inborn genetic diseases. Identifiers: MedGen C0950123, MeSH D030342.

Allele frequency attached by ClinVar (database versions not stated): ExAC 0.00001; gnomAD 0.00001; gnomAD exomes 0.00001 and 0.00005; TOPMed 0.00002.
gnomAD v4.1: 78 of 1,614,016 alleles (0.0048%); highest among the groups gnomAD compares: Non-Finnish European, 0.0061%; no homozygotes.

Submissions (7):

Ambry Genetics
Classification: Likely benign for Inborn genetic diseases. Last evaluated: 2025-09-23. Review status: criteria provided, single submitter. Criteria: Ambry Variant Classification Scheme 2023. Collection method: clinical testing. Allele origin: germline.

Labcorp Genetics (formerly Invitae), Labcorp
Classification: Uncertain significance for Cryopyrin associated periodic syndrome. Last evaluated: 2024-10-29. Review status: criteria provided, single submitter. Criteria: Invitae Variant Classification Sherloc (09022015). Collection method: clinical testing. Allele origin: germline.
Comment: This sequence change replaces arginine, which is basic and polar, with lysine, which is basic and polar, at codon 43 of the NLRP3 protein (p.Arg43Lys). This variant is present in population databases (rs201384608, gnomAD 0.002%). This variant has not been reported in the literature in individuals affected with NLRP3-related conditions. ClinVar contains an entry for this variant (Variation ID: 875720). Invitae Evidence Modeling of protein sequence and biophysical properties (such as structural, functional, and spatial information, amino acid conservation, physicochemical variation, residue mobility, and thermodynamic stability) indicates that this missense variant is not expected to disrupt NLRP3 protein function with a negative predictive value of 95%. In summary, the available evidence is currently insufficient to determine the role of this variant in disease. Therefore, it has been classified as a Variant of Uncertain Significance.

Blueprint Genetics
Classification: Uncertain significance. Last evaluated: 2024-10-18. Review status: criteria provided, single submitter. Criteria: ACMG Guidelines, 2015. Collection method: clinical testing. Allele origin: germline.

Fulgent Genetics
Classification: Uncertain significance for Familial cold autoinflammatory syndrome 1; Keratitis fugax hereditaria; Familial amyloid nephropathy with urticaria AND deafness; Chronic infantile neurological, cutaneous and articular syndrome; Hearing loss, autosomal dominant 34, with or without inflammation. Last evaluated: 2021-09-15. Review status: criteria provided, single submitter. Criteria: ACMG Guidelines, 2015. Collection method: clinical testing. Allele origin: unknown.

Illumina Laboratory Services, Illumina
Classification: Uncertain significance for Chronic infantile neurological, cutaneous and articular syndrome. Last evaluated: 2017-04-28. Review status: criteria provided, single submitter. Criteria: ICSL Variant Classification Criteria 13 December 2019. Collection method: clinical testing. Allele origin: germline.

Illumina Laboratory Services, Illumina
Classification: Uncertain significance for Familial amyloid nephropathy with urticaria AND deafness. Last evaluated: 2017-04-28. Review status: criteria provided, single submitter. Criteria: ICSL Variant Classification Criteria 13 December 2019. Collection method: clinical testing. Allele origin: germline.

Illumina Laboratory Services, Illumina
Classification: Uncertain significance for Familial cold autoinflammatory syndrome 1. Last evaluated: 2017-04-28. Review status: criteria provided, single submitter. Criteria: ICSL Variant Classification Criteria 13 December 2019. Collection method: clinical testing. Allele origin: germline.